The following is an entry in ClinVar:

ClinVar aggregate classification (germline): Likely benign (1 of 4 stars; one submission).

Allele frequency attached by ClinVar (database versions not stated): gnomAD exomes below 0.00001; ExAC 0.00001; gnomAD 0.00001; TOPMed 0.00001.
gnomAD v4.1: 3 of 1,614,032 alleles (0.00019%); highest among the groups gnomAD compares: Non-Finnish European, 0.00017%; no homozygotes.

Submission:

CeGaT Center for Human Genetics Tuebingen
Classification: Likely benign. Last evaluated: 2023-03-01. Review status: criteria provided, single submitter. Criteria: CeGaT Center For Human Genetics Tuebingen Variant Classification Criteria Version 2. Collection method: clinical testing. Allele origin: germline. Affected: yes. Observed: 2 variant alleles.
Comment: RP1L1: BP4, BP7

NM_178857.6(RP1L1):c.6753G>A (p.Gly2251=)

Gene: RP1L1 (RP1 like 1). Cytogenetic location: 8p23.1.
Variant type: single nucleotide variant.
Coding change: c.6753G>A on transcript NM_178857.6 (MANE Select); coding-DNA position 6753, G replaced by A.
Protein change: p.Gly2251=; no amino-acid change (glycine 2251 retained).
Molecular consequence: synonymous variant.
Genome position (GRCh38, 1-based): chr8:10,607,345, C>T on the plus strand (G>A on the coding strand, the complement: RP1L1 is on the minus strand). VCF-style: chr8-10607345-C-T. GRCh37 (hg19) VCF-style: chr8-10464855-C-T.
Identifiers: ClinVar variation 2658382 (VCV002658382.24), dbSNP rs754123662, ClinGen allele CA4623179.